The following is an entry in ClinVar:

ClinVar aggregate classification (germline): Uncertain significance. Review status: criteria provided, multiple submitters, no conflicts (2 of 4 stars). 2 submissions from 2 submitters: Uncertain significance (2). Last evaluated 2025-01-31.

Conditions:
SPARCL1-related disorder. Also called: SPARCL1-related condition.

Allele frequency attached by ClinVar (database versions not stated): gnomAD 0.00001; TOPMed 0.00001.
gnomAD v4.1: 21 of 1,613,960 alleles (0.0013%); highest among the groups gnomAD compares: Admixed American, 0.0017%; no homozygotes.

Submissions (2):

Ambry Genetics
Classification: Uncertain significance. Last evaluated: 2025-01-31. Review status: criteria provided, single submitter. Criteria: Ambry Variant Classification Scheme 2023. Collection method: clinical testing. Allele origin: germline.

PreventionGenetics, part of Exact Sciences
Classification: Uncertain significance for SPARCL1-related condition. Last evaluated: 2023-01-11. Review status: criteria provided, single submitter. Criteria: ACMG Guidelines, 2015. Collection method: clinical testing. Allele origin: germline.
Comment: The SPARCL1 c.971C>T variant is predicted to result in the amino acid substitution p.Pro324Leu. To our knowledge, this variant has not been reported in the literature in individuals with SPARCL1-related disorders. This variant is reported in 0.0029% of alleles in individuals of Latino descent in gnomAD. At this time, the clinical significance of this variant is uncertain due to the absence of conclusive functional and genetic evidence.

NM_004684.6(SPARCL1):c.971C>T (p.Pro324Leu)

Gene: SPARCL1 (SPARC like 1; minus strand). Cytogenetic location: 4q22.1.
Variant type: single nucleotide variant.
Coding change: c.971C>T on transcript NM_004684.6 (MANE Select); coding-DNA position 971, C replaced by T.
Protein change: p.Pro324Leu; replaces proline 324 with leucine.
Molecular consequence: missense variant.
Genome position (GRCh38, 1-based): chr4:87,493,829, G>A on the plus strand (C>T on the coding strand, the complement: SPARCL1 is on the minus strand). VCF-style: chr4-87493829-G-A. GRCh37 (hg19) VCF-style: chr4-88414981-G-A.
Other names: c.971C>T, p.Pro324Leu (NM_001128310.3); c.596C>T, p.Pro199Leu (NM_001291976.2, NM_001291977.2); c.971C>T (NM_001128310.1); short protein forms P199L, P324L.
Identifiers: ClinVar variation 2635203 (VCV002635203.2), dbSNP rs1292178655, ClinGen allele CA357595733.
Genomic context (GRCh38, chr4:87,493,829, plus strand): 5'-TCATCATCGCCATCATCATCAACTCCATGATTTCTGGGCGTGGTATTACCATCATCAGTA[G>A]GTTCCATGAGCAGAGCCTCAGAAACAGTCTTTTCTTCTGTCTCTTTGTGGTTGCTGATAG-3'
Protein context (NP_004675.3, residues 314-334): KTVSEALLME[Pro324Leu]TDDGNTTPRN